The following is an entry in ClinVar:

NM_001276270.2(MBD4):c.1192A>G (p.Ile398Val)

Gene: MBD4 (methyl-CpG binding domain 4, DNA glycosylase; minus strand). Cytogenetic location: 3q21.3.
Variant type: single nucleotide variant.
Coding change: c.1192A>G on transcript NM_001276270.2 (MANE Select); coding-DNA position 1192, A replaced by G.
Protein change: p.Ile398Val; replaces isoleucine 398 with valine.
Molecular consequence: missense variant.
Genome position (GRCh38, 1-based): chr3:129,434,128, T>C on the plus strand (A>G on the coding strand, the complement: MBD4 is on the minus strand). VCF-style: chr3-129434128-T-C. GRCh37 (hg19) VCF-style: chr3-129152971-T-C.
Other names: c.1210A>G, p.Ile404Val (NM_001276271.2, NM_001276272.2, NM_003925.3); c.256A>G, p.Ile86Val (NM_001276273.2); short protein forms I398V, I86V, I404V.
Identifiers: ClinVar variation 4104688 (VCV004104688.3).

ClinVar aggregate classification (germline): Uncertain significance. Review status: criteria provided, multiple submitters, no conflicts (2 of 4 stars). 2 submissions from 2 submitters: Uncertain significance (2). Last evaluated 2025-10-22.

Conditions:
Inborn genetic diseases. Identifiers: MedGen C0950123, MeSH D030342.

gnomAD v4.1: 3 of 1,613,696 alleles (0.00019%); highest among the groups gnomAD compares: Non-Finnish European, 0.00017%; no homozygotes.

Submissions (2):

Ambry Genetics
Classification: Uncertain significance for Inborn genetic diseases. Last evaluated: 2025-10-22. Review status: criteria provided, single submitter. Criteria: Ambry Variant Classification Scheme 2023. Collection method: clinical testing. Allele origin: germline.
Comment: The p.I398V variant (also known as c.1192A>G), located in coding exon 4 of the MBD4 gene, results from an A to G substitution at nucleotide position 1192. The isoleucine at codon 398 is replaced by valine, an amino acid with highly similar properties. This amino acid position is conserved. In addition, this alteration is predicted to be tolerated by in silico analysis. Based on the available evidence, the clinical significance of this variant remains unclear.

Labcorp Genetics (formerly Invitae), Labcorp
Classification: Uncertain significance. Last evaluated: 2025-05-28. Review status: criteria provided, single submitter. Criteria: Invitae Variant Classification Sherloc (09022015). Collection method: clinical testing. Allele origin: germline.
Comment: This sequence change replaces isoleucine, which is neutral and non-polar, with valine, which is neutral and non-polar, at codon 404 of the MBD4 protein (p.Ile404Val). This variant is present in population databases (rs746871273, gnomAD 0.0009%). This variant has not been reported in the literature in individuals affected with MBD4-related conditions. An algorithm developed to predict the effect of missense changes on protein structure and function outputs the following: PolyPhen-2: "Benign". The valine amino acid residue is found in multiple mammalian species, which suggests that this missense change does not adversely affect protein function. In summary, the available evidence is currently insufficient to determine the role of this variant in disease. Therefore, it has been classified as a Variant of Uncertain Significance.